The following is an entry in ClinVar:

NM_004006.3(DMD):c.280del (p.Ile94fs)

Gene: DMD (dystrophin; minus strand). Cytogenetic location: Xp21.1.
Variant type: Deletion.
Coding change: c.280del on transcript NM_004006.3 (MANE Select); coding-DNA position 280, one base deleted (A; older notation c.280delA).
Protein change: p.Ile94fs; shifts the reading frame from isoleucine 94.
Molecular consequence: frameshift variant. On other transcripts: 5 prime UTR variant (1).
Genome position (GRCh38, 1-based): chrX:32,823,372, T deleted on the plus strand (A on the coding strand, the reverse complement: DMD is on the minus strand). VCF-style (leftmost placement, unchanged base first): chrX-32823371-AT-A. GRCh37 (hg19) VCF-style: chrX-32841488-AT-A.
Other names: c.256del, p.Ile86fs (NM_000109.4); c.268del, p.Ile90fs (NM_004009.3); c.-90del (NM_004010.3); short protein forms I86fs, I90fs, I94fs.
Identifiers: ClinVar variation 217189 (VCV000217189.1), dbSNP rs863224990, ClinGen allele CA347536.

ClinVar aggregate classification (germline): Pathogenic (1 of 4 stars; one submission).

Conditions:
Duchenne muscular dystrophy (DMD). Also called: MUSCULAR DYSTROPHY, PSEUDOHYPERTROPHIC PROGRESSIVE, DUCHENNE TYPE; Duchenne Muscular Dystrophy (DMD). Identifiers: Orphanet 98896, MedGen C0013264, MONDO:0010679, OMIM 310200.

Submission:

Athena Diagnostics
Classification: Pathogenic for Duchenne muscular dystrophy. Last evaluated: 2013-12-20. Review status: criteria provided, single submitter. Criteria: Athena Diagnostics Criteria. Collection method: clinical testing. Allele origin: germline. Inheritance: X-linked recessive inheritance.
Comment: X-linked recessive inheritance

Literature cited by the submitters: PubMed 20485447; PubMed 12233050.